The following is an entry in ClinVar:

NM_006230.4(POLD2):c.203G>A (p.Arg68Gln)

Gene: POLD2 (DNA polymerase delta 2, accessory subunit; minus strand). Cytogenetic location: 7p13.
Variant type: single nucleotide variant.
Coding change: c.203G>A on transcript NM_006230.4 (MANE Select); coding-DNA position 203, G replaced by A.
Protein change: p.Arg68Gln; replaces arginine 68 with glutamine.
Molecular consequence: missense variant.
Genome position (GRCh38, 1-based): chr7:44,121,851, C>T on the plus strand (G>A on the coding strand, the complement: POLD2 is on the minus strand). VCF-style: chr7-44121851-C-T. GRCh37 (hg19) VCF-style: chr7-44161450-C-T.
Other names: c.203G>A (NM_001127218.1); c.203G>A, p.Arg68Gln (NM_001127218.3, NM_001256879.2); short protein forms R68Q.
Identifiers: ClinVar variation 2190030 (VCV002190030.7), dbSNP rs745997170, ClinGen allele CA4238961.

ClinVar aggregate classification (germline): Uncertain significance. Review status: criteria provided, multiple submitters, no conflicts (2 of 4 stars). 2 submissions from 2 submitters: Uncertain significance (2). Last evaluated 2025-10-09.

Allele frequency attached by ClinVar (database versions not stated): gnomAD 0.00002; TOPMed 0.00002; ExAC 0.00006.
gnomAD v4.1: 30 of 1,612,868 alleles (0.0019%); highest among the groups gnomAD compares: Admixed American, 0.023%; no homozygotes.

Submissions (2):

Labcorp Genetics (formerly Invitae), Labcorp
Classification: Uncertain significance. Last evaluated: 2025-10-09. Review status: criteria provided, single submitter. Criteria: Invitae Variant Classification Sherloc (09022015). Collection method: clinical testing. Allele origin: germline.
Comment: This sequence change replaces arginine, which is basic and polar, with glutamine, which is neutral and polar, at codon 103 of the POLD2 protein (p.Arg103Gln). This variant is present in population databases (rs745997170, gnomAD 0.03%). This variant has not been reported in the literature in individuals affected with POLD2-related conditions. ClinVar contains an entry for this variant (Variation ID: 2190030). Experimental studies and prediction algorithms are not available or were not evaluated, and the functional significance of this variant is currently unknown. In summary, the available evidence is currently insufficient to determine the role of this variant in disease. Therefore, it has been classified as a Variant of Uncertain Significance.

Ambry Genetics
Classification: Uncertain significance. Last evaluated: 2025-07-02. Review status: criteria provided, single submitter. Criteria: Ambry Variant Classification Scheme 2023. Collection method: clinical testing. Allele origin: germline.